The following is an entry in ClinVar:

NM_001130438.3(SPTAN1):c.1367G>A (p.Trp456Ter)

Gene: SPTAN1 (spectrin alpha, non-erythrocytic 1; plus strand). Cytogenetic location: 9q34.11.
Variant type: single nucleotide variant.
Coding change: c.1367G>A on transcript NM_001130438.3 (MANE Select); coding-DNA position 1367, G replaced by A.
Protein change: p.Trp456Ter; replaces tryptophan 456 with a stop codon.
Molecular consequence: nonsense.
Genome position (GRCh38, 1-based): chr9:128,580,965, G>A. VCF-style: chr9-128580965-G-A. GRCh37 (hg19) VCF-style: chr9-131343244-G-A.
Other names: c.1367G>A, p.Trp456Ter (NM_001195532.2, NM_001363759.2, NM_001363765.2 and 5 more transcripts); c.1403G>A, p.Trp468Ter (NM_001375312.2, NM_001375318.1); short protein forms W456*, W468*.
Identifiers: ClinVar variation 1053546 (VCV001053546.10), dbSNP rs2131088567, ClinGen allele CA375053421.

ClinVar aggregate classification (germline): Pathogenic (1 of 4 stars; one submission).

Conditions:
Early-infantile DEE. Also called: Ohtahara syndrome; Early infantile epileptic encephalopathy with suppression bursts; Early infantile epileptic encephalopathy. Identifiers: Orphanet 1934, MedGen C0393706, MONDO:0800491.

Submission:

Labcorp Genetics (formerly Invitae), Labcorp
Classification: Pathogenic for Early-infantile DEE. Last evaluated: 2021-01-28. Review status: criteria provided, single submitter. Criteria: Invitae Variant Classification Sherloc (09022015). Collection method: clinical testing. Allele origin: germline.
Comment: For these reasons, this variant has been classified as Pathogenic. This variant has been observed in individual(s) with clinical features of SPTAN1-related conditions (Invitae). In at least one individual the variant was observed to be de novo. This variant is not present in population databases (ExAC no frequency). This sequence change creates a premature translational stop signal (p.Trp456*) in the SPTAN1 gene. It is expected to result in an absent or disrupted protein product.